The following is an entry in ClinVar:

ClinVar aggregate classification (germline): Uncertain significance (1 of 4 stars; one submission).

gnomAD v4.1: 4 of 1,609,316 alleles (0.00025%); highest among the groups gnomAD compares: Non-Finnish European, 0.000085%; no homozygotes.

Submission:

Labcorp Genetics (formerly Invitae), Labcorp
Classification: Uncertain significance. Last evaluated: 2025-08-15. Review status: criteria provided, single submitter. Criteria: Invitae Variant Classification Sherloc (09022015). Collection method: clinical testing. Allele origin: germline.
Comment: This sequence change replaces aspartic acid, which is acidic and polar, with alanine, which is neutral and non-polar, at codon 285 of the NEDD4L protein (p.Asp285Ala). This variant is not present in population databases (gnomAD no frequency). This variant has not been reported in the literature in individuals affected with NEDD4L-related conditions. Invitae Evidence Modeling of protein sequence and biophysical properties (such as structural, functional, and spatial information, amino acid conservation, physicochemical variation, residue mobility, and thermodynamic stability) indicates that this missense variant is not expected to disrupt NEDD4L protein function with a negative predictive value of 80%. In summary, the available evidence is currently insufficient to determine the role of this variant in disease. Therefore, it has been classified as a Variant of Uncertain Significance.

NM_001144967.3(NEDD4L):c.854A>C (p.Asp285Ala)

Gene: NEDD4L (NEDD4 like E3 ubiquitin protein ligase; plus strand). Cytogenetic location: 18q21.31.
Variant type: single nucleotide variant.
Coding change: c.854A>C on transcript NM_001144967.3 (MANE Select); coding-DNA position 854, A replaced by C.
Protein change: p.Asp285Ala; replaces aspartic acid 285 with alanine.
Molecular consequence: missense variant.
Genome position (GRCh38, 1-based): chr18:58,330,778, A>C. VCF-style: chr18-58330778-A-C. GRCh37 (hg19) VCF-style: chr18-55998010-A-C.
Other names: c.491A>C, p.Asp164Ala (NM_001144964.1, NM_001144965.2, NM_001144966.3 and 2 more transcripts); c.830A>C, p.Asp277Ala (NM_001144968.2, NM_001144969.2); c.854A>C, p.Asp285Ala (NM_001243960.2, NM_015277.6); c.1691A>C, p.Asp564Ala (NM_001437337.1); short protein forms D277A, D564A, D164A, D285A.
Identifiers: ClinVar variation 4759603 (VCV004759603.1).
Genomic context (GRCh38, chr18:58,330,778, plus strand): 5'-AGTGTCTCCTTCTCTGAAAGCCTTGGGAGACCATTTCAGAGGAAGTGAATATCGCTGGAG[A>C]CTCTCTCGGTCTGGCTCTGCCCCCACCACCGGCCTCCCCAGGATCTCGGACCAGCCCTCA-3'
Protein context (NP_001138439.1, residues 275-295): TISEEVNIAG[Asp285Ala]SLGLALPPPP